The following is an entry in ClinVar:

ClinVar aggregate classification (germline): Uncertain significance. Review status: criteria provided, multiple submitters, no conflicts (2 of 4 stars). 3 submissions from 3 submitters: Uncertain significance (3). Last evaluated 2021-10-12.

Conditions:
Noonan syndrome 9 (NS9). Identifiers: Orphanet 648, MedGen C4225282, MONDO:0014691, OMIM 616559.
Cardiovascular phenotype. Identifiers: MedGen CN230736.

Allele frequency attached by ClinVar (database versions not stated): gnomAD exomes below 0.00001; TOPMed below 0.00001; ExAC 0.00001; gnomAD 0.00001.
gnomAD v4.1: 2 of 1,603,900 alleles (0.00012%); highest among the groups gnomAD compares: Non-Finnish European, 0.00017%; no homozygotes.

Submissions (3):

Ambry Genetics
Classification: Uncertain significance for Cardiovascular phenotype. Last evaluated: 2021-10-12. Review status: criteria provided, single submitter. Criteria: Ambry Variant Classification Scheme 2023. Collection method: clinical testing. Allele origin: germline.
Comment: The p.Q63H variant (also known as c.189G>C), located in coding exon 2 of the SOS2 gene, results from a G to C substitution at nucleotide position 189. The glutamine at codon 63 is replaced by histidine, an amino acid with highly similar properties. This amino acid position is conserved. In addition, the in silico prediction for this alteration is inconclusive. Since supporting evidence is limited at this time, the clinical significance of this alteration remains unclear.

Women's Health and Genetics/Laboratory Corporation of America, LabCorp
Classification: Uncertain significance. Last evaluated: 2020-01-20. Review status: criteria provided, single submitter. Criteria: LabCorp Variant Classification Summary - May 2015. Collection method: clinical testing. Allele origin: germline.
Comment: Variant summary: SOS2 c.189G>C (p.Gln63His) results in a non-conservative amino acid change in the encoded protein sequence. Three of five in-silico tools predict a benign effect of the variant on protein function. The variant allele was found at a frequency of 4.1e-06 in 246190 control chromosomes. The available data on variant occurrences in the general population are insufficient to allow any conclusion about variant significance. To our knowledge, no occurrence of c.189G>C in individuals affected with Noonan Syndrome and Related Conditions and no experimental evidence demonstrating its impact on protein function have been reported. No clinical diagnostic laboratories have submitted clinical-significance assessments for this variant to ClinVar after 2014. Based on the evidence outlined above, the variant was classified as uncertain significance.

Genome-Nilou Lab
Classification: Uncertain significance for Noonan syndrome 9. Review status: criteria provided, single submitter. Criteria: ACMG Guidelines, 2015. Collection method: clinical testing. Allele origin: germline.

NM_006939.4(SOS2):c.189G>C (p.Gln63His)

Gene: SOS2 (SOS Ras/Rho guanine nucleotide exchange factor 2; minus strand). Cytogenetic location: 14q21.3.
Variant type: single nucleotide variant.
Coding change: c.189G>C on transcript NM_006939.4 (MANE Select); coding-DNA position 189, G replaced by C.
Protein change: p.Gln63His; replaces glutamine 63 with histidine.
Molecular consequence: missense variant.
Genome position (GRCh38, 1-based): chr14:50,204,308, C>G on the plus strand (G>C on the coding strand, the complement: SOS2 is on the minus strand). VCF-style: chr14-50204308-C-G. GRCh37 (hg19) VCF-style: chr14-50671026-C-G.
Other names: short protein forms Q63H.
Identifiers: ClinVar variation 917583 (VCV000917583.4), dbSNP rs771269309, ClinGen allele CA7177596.
Genomic context (GRCh38, chr14:50,204,308, plus strand): 5'-TTGAGTGACTTTTTGAAATGACAAAATAATTTTTACCTCTACATCTTGAACAGTCCTTGG[C>G]TGGGCCATGCATAATTTATTAAGCAGCTGAAAAATCAGCTCTTCAATATAATAGAGAGAC-3'
Protein context (NP_008870.2, residues 53-73): FQLLNKLCMA[Gln63His]PRTVQDVEER